The following is an entry in ClinVar:

ClinVar aggregate classification (germline): Uncertain significance. Review status: criteria provided, multiple submitters, no conflicts (2 of 4 stars). 2 submissions from 2 submitters: Uncertain significance (2). Last evaluated 2024-10-16.

Allele frequency attached by ClinVar (database versions not stated): gnomAD exomes below 0.00001.
gnomAD v4.1: 1 of 1,211,926 alleles (0.000083%); highest among the groups gnomAD compares: Non-Finnish European, 0.00011%; no homozygotes.

Submissions (2):

GeneDx
Classification: Uncertain significance. Last evaluated: 2024-10-16. Review status: criteria provided, single submitter. Criteria: GeneDx Variant Classification Process June 2021. Collection method: clinical testing. Allele origin: germline. Affected: yes.
Comment: In silico analysis supports that this missense variant has a deleterious effect on protein structure/function; Has not been previously published as pathogenic or benign to our knowledge

Genetic Services Laboratory, University of Chicago
Classification: Uncertain significance. Last evaluated: 2015-04-23. Review status: criteria provided, single submitter. Criteria: ACMG Guidelines, 2015. Collection method: clinical testing. Allele origin: germline.

NM_001110556.2(FLNA):c.6263G>A (p.Ser2088Asn)

Gene: FLNA (filamin A; minus strand). Cytogenetic location: Xq28.
Variant type: single nucleotide variant.
Coding change: c.6263G>A on transcript NM_001110556.2 (MANE Select); coding-DNA position 6263, G replaced by A.
Protein change: p.Ser2088Asn; replaces serine 2088 with asparagine.
Molecular consequence: missense variant.
Genome position (GRCh38, 1-based): chrX:154,352,888, C>T on the plus strand (G>A on the coding strand, the complement: FLNA is on the minus strand). VCF-style: chrX-154352888-C-T. GRCh37 (hg19) VCF-style: chrX-153581256-C-T.
Other names: c.6239G>A, p.Ser2080Asn (NM_001456.4); short protein forms S2080N, S2088N.
Identifiers: ClinVar variation 211022 (VCV000211022.7), dbSNP rs797045580, ClinGen allele CA207596.